The following is an entry in ClinVar:

ClinVar aggregate classification (germline): Pathogenic (1 of 4 stars; one submission).

Conditions:
Cardiovascular phenotype. Identifiers: MedGen CN230736.
Hereditary cancer-predisposing syndrome. Also called: Neoplastic Syndromes, Hereditary; Tumor predisposition; Hereditary Cancer Syndrome; Hereditary neoplastic syndrome. Identifiers: Orphanet 140162, MedGen C0027672, MeSH D009386, MONDO:0015356.

Submission:

Ambry Genetics
Classification: Pathogenic for Cardiovascular phenotype; Hereditary cancer-predisposing syndrome. Last evaluated: 2025-11-19. Review status: criteria provided, single submitter. Criteria: Ambry Variant Classification Scheme 2023. Collection method: clinical testing. Allele origin: germline.
Comment: The c.1997dupT pathogenic mutation, located in coding exon 17 of the LZTR1 gene, results from a duplication of T at nucleotide position 1997, causing a translational frameshift with a predicted alternate stop codon (p.C667Lfs*2). This variant is considered to be rare based on population cohorts in the Genome Aggregation Database (gnomAD). This alteration is expected to result in loss of function by premature protein truncation or nonsense-mediated mRNA decay. Loss-of-function variants in LZTR1 are related to an increased risk for schwannomas and autosomal recessive Noonan syndrome; however, such associations with autosomal dominant Noonan syndrome have not been observed (Piotrowski A et al. Nat Genet. 2014 Feb;46:182-7; Yamamoto GL et al. J Med Genet. 2015 Jun;52:413-21; Johnston JJ et al. Genet Med. 2018 10;20:1175-1185). Based on the supporting evidence, this variant is pathogenic for an increased risk of LZTR1-related schwannomatosis (SWN) and would be expected to cause autosomal recessive Noonan syndrome when present along with a second pathogenic or likely pathogenic variant on the other allele; however, the association of this alteration with autosomal dominant Noonan syndrome is unlikely.

NM_006767.4(LZTR1):c.1997dup (p.Cys667fs)

Gene: LZTR1 (leucine zipper like post translational regulator 1; plus strand). Cytogenetic location: 22q11.21.
Variant type: Duplication.
Coding change: c.1997dup on transcript NM_006767.4 (MANE Select); coding-DNA position 1997, one base duplicated (T; older notation c.1997dupT).
Protein change: p.Cys667fs; shifts the reading frame from cysteine 667.
Molecular consequence: frameshift variant.
Genome position (GRCh38, 1-based): chr22:20,995,800, T duplicated; the last of 2 consecutive T bases (chr22:20,995,799-20,995,800); duplicating either gives the same sequence. VCF-style (leftmost placement, unchanged base first): chr22-20995798-A-AT. GRCh37 (hg19) VCF-style: chr22-21350087-A-AT.
Other names: short protein forms C667fs.
Identifiers: ClinVar variation 4615650 (VCV004615650.1).